The following is an entry in ClinVar:

NM_001367561.1(DOCK7):c.3300+8A>G

Gene: DOCK7 (dedicator of cytokinesis 7; minus strand). Cytogenetic location: 1p31.3.
Variant type: single nucleotide variant.
Coding change: c.3300+8A>G on transcript NM_001367561.1 (MANE Select); 8 bases into the intron after coding-DNA position 3300, A replaced by G.
Molecular consequence: intron variant.
Genome position (GRCh38, 1-based): chr1:62,539,537, T>C on the plus strand (A>G on the coding strand, the complement: DOCK7 is on the minus strand). VCF-style: chr1-62539537-T-C. GRCh37 (hg19) VCF-style: chr1-63005208-T-C.
Other names: c.3207+8A>G (NM_001272001.2, NM_001272000.2, NM_033407.4); c.3300+8A>G (NM_001271999.2, NM_001330614.2).
Identifiers: ClinVar variation 447276 (VCV000447276.16), dbSNP rs368422761, ClinGen allele CA886040.

ClinVar aggregate classification (germline): Conflicting classifications of pathogenicity. Review status: criteria provided, conflicting classifications (1 of 4 stars). 4 submissions from 4 submitters: Uncertain significance (1); Likely benign (2). 1 of the submissions does not count toward it. Last evaluated 2026-01-08.

Conditions:
DOCK7-related disorder. Also called: DOCK7-related condition.
Developmental and epileptic encephalopathy, 23 (DEE23). Also called: Epileptic encephalopathy, early infantile, 23. Identifiers: Orphanet 411986, MedGen C4014492, MONDO:0014371, OMIM 615859.

Allele frequency attached by ClinVar (database versions not stated): ESP Exome Variant Server 0.00008; TOPMed 0.00013; gnomAD 0.00014; gnomAD exomes 0.00015 and 0.00018; 1000 Genomes Project 30x 0.00016; ExAC 0.00019; 1000 Genomes Project 0.00020.
gnomAD v4.1: 278 of 1,580,770 alleles (0.018%); highest among the groups gnomAD compares: Non-Finnish European, 0.023%; no homozygotes.

Submissions (4):

Labcorp Genetics (formerly Invitae), Labcorp
Classification: Likely benign for Developmental and epileptic encephalopathy, 23. Last evaluated: 2026-01-08. Review status: criteria provided, single submitter. Criteria: Invitae Variant Classification Sherloc (09022015). Collection method: clinical testing. Allele origin: germline.

Blueprint Genetics
Classification: Likely benign. Last evaluated: 2024-06-12. Review status: criteria provided, single submitter. Criteria: ACMG Guidelines, 2015. Collection method: clinical testing. Allele origin: germline.

Athena Diagnostics
Classification: Uncertain significance. Last evaluated: 2018-10-30. Review status: criteria provided, single submitter. Criteria: Athena Diagnostics Criteria. Collection method: clinical testing. Allele origin: germline.

PreventionGenetics, part of Exact Sciences
Classification: Likely benign for DOCK7-related condition. Last evaluated: 2019-07-23. Review status: no assertion criteria provided. Collection method: clinical testing. Allele origin: germline. Not counted in ClinVar's aggregate classification.
Comment: This variant is classified as likely benign based on ACMG/AMP sequence variant interpretation guidelines (Richards et al. 2015 PMID: 25741868, with internal and published modifications).